The following is an entry in ClinVar:

ClinVar aggregate classification (germline): Uncertain significance (1 of 4 stars; one submission).

Conditions:
Joubert syndrome 16 (JBTS16). Identifiers: Orphanet 2318, MedGen C3280906, MONDO:0013764, OMIM 614465.

Submission:

Labcorp Genetics (formerly Invitae), Labcorp
Classification: Uncertain significance for Joubert syndrome 16. Last evaluated: 2024-01-08. Review status: criteria provided, single submitter. Criteria: Invitae Variant Classification Sherloc (09022015). Collection method: clinical testing. Allele origin: germline.
Comment: This sequence change replaces tryptophan, which is neutral and slightly polar, with leucine, which is neutral and non-polar, at codon 104 of the TMEM138 protein (p.Trp104Leu). This variant is not present in population databases (gnomAD no frequency). This variant has not been reported in the literature in individuals affected with TMEM138-related conditions. ClinVar contains an entry for this variant (Variation ID: 1513723). An algorithm developed to predict the effect of missense changes on protein structure and function (PolyPhen-2) suggests that this variant is likely to be tolerated. In summary, the available evidence is currently insufficient to determine the role of this variant in disease. Therefore, it has been classified as a Variant of Uncertain Significance.

NM_016464.5(TMEM138):c.311G>T (p.Trp104Leu)

Gene: TMEM138 (transmembrane protein 138; plus strand). Cytogenetic location: 11q12.2.
Variant type: single nucleotide variant.
Coding change: c.311G>T on transcript NM_016464.5 (MANE Select); coding-DNA position 311, G replaced by T.
Protein change: p.Trp104Leu; replaces tryptophan 104 with leucine.
Molecular consequence: missense variant. On other transcripts: non-coding transcript variant (1).
Genome position (GRCh38, 1-based): chr11:61,367,933, G>T. VCF-style: chr11-61367933-G-T. GRCh37 (hg19) VCF-style: chr11-61135405-G-T.
Other names: c.137G>T, p.Trp46Leu (NM_001330281.2); short protein forms W104L, W46L.
Identifiers: ClinVar variation 1513723 (VCV001513723.6), dbSNP rs2135163033, ClinGen allele CA380680051.